The following is an entry in ClinVar:

NM_004364.5(CEBPA):c.1069T>A (p.Cys357Ser)

Gene: CEBPA (CCAAT enhancer binding protein alpha; minus strand). Cytogenetic location: 19q13.11.
Variant type: single nucleotide variant.
Coding change: c.1069T>A on transcript NM_004364.5 (MANE Select); coding-DNA position 1069, T replaced by A.
Protein change: p.Cys357Ser; replaces cysteine 357 with serine.
Molecular consequence: missense variant.
Genome position (GRCh38, 1-based): chr19:33,301,346, A>T on the plus strand (T>A on the coding strand, the complement: CEBPA is on the minus strand). VCF-style: chr19-33301346-A-T. GRCh37 (hg19) VCF-style: chr19-33792252-A-T.
Other names: c.712T>A, p.Cys238Ser (NM_001285829.2); c.1174T>A, p.Cys392Ser (NM_001287424.2); c.1027T>A, p.Cys343Ser (NM_001287435.2); short protein forms C343S, C238S, C357S, C392S.
Identifiers: ClinVar variation 2873847 (VCV002873847.3), dbSNP rs2513327593, ClinGen allele CA405273605.

ClinVar aggregate classification (germline): Uncertain significance (1 of 4 stars; one submission).

Conditions:
Acute myeloid leukemia (AML). Also called: Acute myeloid leukemia, adult; AML adult; Acute non-lymphocytic leukemia; Acute granulocytic leukemia; Leukemia, acute myeloid, somatic; Leukemia, acute myelogenous, somatic. Identifiers: Orphanet 519, MedGen C0023467, MeSH D015470, MONDO:0018874, OMIM 601626, HP:0004808. Disease mechanism: Constitutively activated FLT3.

Allele frequency attached by ClinVar (database versions not stated): gnomAD exomes below 0.00001.

Submission:

Labcorp Genetics (formerly Invitae), Labcorp
Classification: Uncertain significance for Acute myeloid leukemia. Last evaluated: 2022-12-29. Review status: criteria provided, single submitter. Criteria: Invitae Variant Classification Sherloc (09022015). Collection method: clinical testing. Allele origin: germline.
Comment: In summary, the available evidence is currently insufficient to determine the role of this variant in disease. Therefore, it has been classified as a Variant of Uncertain Significance. Algorithms developed to predict the effect of missense changes on protein structure and function are either unavailable or do not agree on the potential impact of this missense change (SIFT: "Tolerated"; PolyPhen-2: "Probably Damaging"; Align-GVGD: "Class C0"). This variant has not been reported in the literature in individuals affected with CEBPA-related conditions. This variant is not present in population databases (gnomAD no frequency). This sequence change replaces cysteine, which is neutral and slightly polar, with serine, which is neutral and polar, at codon 357 of the CEBPA protein (p.Cys357Ser).